The following is an entry in ClinVar:

ClinVar aggregate classification (germline): Uncertain significance. Review status: criteria provided, multiple submitters, no conflicts (2 of 4 stars). 2 submissions from 2 submitters: Uncertain significance (2). Last evaluated 2024-11-23.

Conditions:
Inborn genetic diseases. Identifiers: MedGen C0950123, MeSH D030342.
Cyclical neutropenia. Also called: Cyclic Neutropenia; Cyclic hematopoiesis. Identifiers: Orphanet 2686, MedGen C0221023, MONDO:0008090, OMIM 162800, HP:0040289. Disease mechanism: loss of function.
Neutropenia, severe congenital, 1, autosomal dominant. Identifiers: MedGen C1859966, MONDO:0042490, OMIM 202700.

gnomAD v4.1: 3 of 1,599,300 alleles (0.00019%); highest among the groups gnomAD compares: Middle Eastern, 0.033%; no homozygotes.

Submissions (2):

Ambry Genetics
Classification: Uncertain significance for Inborn genetic diseases. Last evaluated: 2024-11-23. Review status: criteria provided, single submitter. Criteria: Ambry Variant Classification Scheme 2023. Collection method: clinical testing. Allele origin: germline.
Comment: The p.N124K variant (also known as c.372C>A), located in coding exon 4 of the ELANE gene, results from a C to A substitution at nucleotide position 372. The asparagine at codon 124 is replaced by lysine, an amino acid with similar properties. This amino acid position is conserved. In addition, this alteration is predicted to be tolerated by in silico analysis. Based on the available evidence, the clinical significance of this variant remains unclear.

Labcorp Genetics (formerly Invitae), Labcorp
Classification: Uncertain significance for Neutropenia, severe congenital, 1, autosomal dominant; Cyclical neutropenia. Last evaluated: 2019-11-12. Review status: criteria provided, single submitter. Criteria: Invitae Variant Classification Sherloc (09022015). Collection method: clinical testing. Allele origin: germline.
Comment: This sequence change replaces asparagine with lysine at codon 124 of the ELANE protein (p.Asn124Lys). The asparagine residue is highly conserved and there is a moderate physicochemical difference between asparagine and lysine. In summary, the available evidence is currently insufficient to determine the role of this variant in disease. Therefore, it has been classified as a Variant of Uncertain Significance. Algorithms developed to predict the effect of missense changes on protein structure and function are either unavailable or do not agree on the potential impact of this missense change (SIFT: "Deleterious"; PolyPhen-2: "Possibly Damaging"; Align-GVGD: "Class C15"). This variant has not been reported in the literature in individuals with ELANE-related conditions. This variant is not present in population databases (ExAC no frequency).

NM_001972.4(ELANE):c.372C>A (p.Asn124Lys)

Gene: ELANE (elastase, neutrophil expressed; plus strand). Cytogenetic location: 19p13.3.
Variant type: single nucleotide variant.
Coding change: c.372C>A on transcript NM_001972.4 (MANE Select); coding-DNA position 372, C replaced by A.
Protein change: p.Asn124Lys; replaces asparagine 124 with lysine.
Molecular consequence: missense variant.
Genome position (GRCh38, 1-based): chr19:855,569, C>A. VCF-style: chr19-855569-C-A. GRCh37 (hg19) VCF-style: chr19-855569-C-A.
Other names: short protein forms N124K.
Identifiers: ClinVar variation 966770 (VCV000966770.13), dbSNP rs200595736, ClinGen allele CA402917721.